The following is an entry in ClinVar:

ClinVar aggregate classification (germline): Uncertain significance (1 of 4 stars; one submission).

Conditions:
Neuropathy, hereditary sensory, type 1F. Also called: HSN IF; Hereditary sensory neuropathy type IF. Identifiers: Orphanet 36386, MedGen C3810194, MONDO:0014286, OMIM 615632.

Submission:

Labcorp Genetics (formerly Invitae), Labcorp
Classification: Uncertain significance for Neuropathy, hereditary sensory, type 1F. Last evaluated: 2024-06-14. Review status: criteria provided, single submitter. Criteria: Invitae Variant Classification Sherloc (09022015). Collection method: clinical testing. Allele origin: germline.
Comment: This sequence change replaces valine, which is neutral and non-polar, with alanine, which is neutral and non-polar, at codon 7 of the ATL3 protein (p.Val7Ala). This variant is not present in population databases (gnomAD no frequency). This variant has not been reported in the literature in individuals affected with ATL3-related conditions. ClinVar contains an entry for this variant (Variation ID: 943449). Algorithms developed to predict the effect of missense changes on protein structure and function output the following: SIFT: "Not Available"; PolyPhen-2: "Benign"; Align-GVGD: "Not Available". The alanine amino acid residue is found in multiple mammalian species, which suggests that this missense change does not adversely affect protein function. In summary, the available evidence is currently insufficient to determine the role of this variant in disease. Therefore, it has been classified as a Variant of Uncertain Significance.

NM_015459.5(ATL3):c.20T>C (p.Val7Ala)

Gene: ATL3 (atlastin GTPase 3; minus strand). Cytogenetic location: 11q13.1.
Variant type: single nucleotide variant.
Coding change: c.20T>C on transcript NM_015459.5 (MANE Select); coding-DNA position 20, T replaced by C.
Protein change: p.Val7Ala; replaces valine 7 with alanine.
Molecular consequence: missense variant. On other transcripts: intron variant (1).
Genome position (GRCh38, 1-based): chr11:63,671,316, A>G on the plus strand (T>C on the coding strand, the complement: ATL3 is on the minus strand). VCF-style: chr11-63671316-A-G. GRCh37 (hg19) VCF-style: chr11-63438788-A-G.
Other names: c.-9+320T>C (NM_001290048.2); short protein forms V7A.
Identifiers: ClinVar variation 943449 (VCV000943449.9), dbSNP rs1940767420, ClinGen allele CA381032824.